The following is an entry in ClinVar:

NM_004304.5(ALK):c.4342T>C (p.Ser1448Pro)

Gene: ALK (ALK receptor tyrosine kinase; minus strand). Cytogenetic location: 2p23.2.
Variant type: single nucleotide variant.
Coding change: c.4342T>C on transcript NM_004304.5 (MANE Select); coding-DNA position 4342, T replaced by C.
Protein change: p.Ser1448Pro; replaces serine 1448 with proline.
Molecular consequence: missense variant.
Genome position (GRCh38, 1-based): chr2:29,193,745, A>G on the plus strand (T>C on the coding strand, the complement: ALK is on the minus strand). VCF-style: chr2-29193745-A-G. GRCh37 (hg19) VCF-style: chr2-29416611-A-G.
Other names: c.1138T>C, p.Ser380Pro (NM_001353765.2); short protein forms S1448P, S380P.
Identifiers: ClinVar variation 2826083 (VCV002826083.3), dbSNP rs1668948010, ClinGen allele CA346462569.
Genomic context (GRCh38, chr2:29,193,745, plus strand): 5'-CTCTAGGGACTCGAACAGAGATCTCTGCAGCTGTGGGTTTCTTTGCAGCCTTGCCAGAGG[A>G]GGTGGTAGGCAGAGGTGGTGGGGCAGCTGGGCTGCGCTCCTCCTCCCGTTTTGCCTGTTG-3'
Protein context (NP_004295.2, residues 1438-1458): PAAPPPLPTT[Ser1448Pro]SGKAAKKPTA

ClinVar aggregate classification (germline): Uncertain significance (1 of 4 stars; one submission).

Conditions:
Neuroblastoma, susceptibility to, 3. Also called: ALK-Related Neuroblastic Tumor Susceptibility. Identifiers: Orphanet 635, MedGen C2751681, MONDO:0013083, OMIM 613014.

Allele frequency attached by ClinVar (database versions not stated): gnomAD exomes below 0.00001.
gnomAD v4.1: 1 of 1,601,290 alleles (0.000062%); highest among the groups gnomAD compares: Non-Finnish European, 0.000085%; no homozygotes.

Submission:

Labcorp Genetics (formerly Invitae), Labcorp
Classification: Uncertain significance for Neuroblastoma, susceptibility to, 3. Last evaluated: 2023-01-04. Review status: criteria provided, single submitter. Criteria: Invitae Variant Classification Sherloc (09022015). Collection method: clinical testing. Allele origin: germline.
Comment: In summary, the available evidence is currently insufficient to determine the role of this variant in disease. Therefore, it has been classified as a Variant of Uncertain Significance. Algorithms developed to predict the effect of missense changes on protein structure and function output the following: SIFT: "Tolerated"; PolyPhen-2: "Benign"; Align-GVGD: "Class C0". The proline amino acid residue is found in multiple mammalian species, which suggests that this missense change does not adversely affect protein function. This variant has not been reported in the literature in individuals affected with ALK-related conditions. This variant is not present in population databases (gnomAD no frequency). This sequence change replaces serine, which is neutral and polar, with proline, which is neutral and non-polar, at codon 1448 of the ALK protein (p.Ser1448Pro).